The following is an entry in ClinVar:

NM_005585.5(SMAD6):c.1416G>C (p.Trp472Cys)

Gene: SMAD6 (SMAD family member 6; plus strand). Cytogenetic location: 15q22.31.
Variant type: single nucleotide variant.
Coding change: c.1416G>C on transcript NM_005585.5 (MANE Select); coding-DNA position 1416, G replaced by C.
Protein change: p.Trp472Cys; replaces tryptophan 472 with cysteine.
Molecular consequence: missense variant. On other transcripts: non-coding transcript variant (1).
Genome position (GRCh38, 1-based): chr15:66,781,460, G>C. VCF-style: chr15-66781460-G-C. GRCh37 (hg19) VCF-style: chr15-67073798-G-C.
Other names: short protein forms W472C.
Identifiers: ClinVar variation 3714670 (VCV003714670.2).

ClinVar aggregate classification (germline): Uncertain significance (1 of 4 stars; one submission).

Conditions:
Aortic valve disease 2 (AOVD2). Identifiers: MedGen C3542024, MONDO:0013902, OMIM 614823.

gnomAD v4.1: 1 of 1,604,152 alleles (0.000062%); highest among the groups gnomAD compares: Non-Finnish European, 0.000085%; no homozygotes.

Submission:

Labcorp Genetics (formerly Invitae), Labcorp
Classification: Uncertain significance for Aortic valve disease 2. Last evaluated: 2024-05-28. Review status: criteria provided, single submitter. Criteria: Invitae Variant Classification Sherloc (09022015). Collection method: clinical testing. Allele origin: germline.
Comment: This sequence change replaces tryptophan, which is neutral and slightly polar, with cysteine, which is neutral and slightly polar, at codon 472 of the SMAD6 protein (p.Trp472Cys). This variant is not present in population databases (gnomAD no frequency). This variant has not been reported in the literature in individuals affected with SMAD6-related conditions. Advanced modeling of protein sequence and biophysical properties (such as structural, functional, and spatial information, amino acid conservation, physicochemical variation, residue mobility, and thermodynamic stability) performed at Invitae indicates that this missense variant is expected to disrupt SMAD6 protein function with a positive predictive value of 80%. In summary, the available evidence is currently insufficient to determine the role of this variant in disease. Therefore, it has been classified as a Variant of Uncertain Significance.